The following is an entry in ClinVar:

ClinVar aggregate classification (germline): Pathogenic/Likely pathogenic. Review status: criteria provided, multiple submitters, no conflicts (2 of 4 stars). 3 submissions from 3 submitters: Pathogenic (2); Likely pathogenic (1). Last evaluated 2026-01-22.

Conditions:
Hereditary cancer-predisposing syndrome. Also called: Tumor predisposition; Neoplastic Syndromes, Hereditary; Hereditary Cancer Syndrome; Hereditary neoplastic syndrome. Identifiers: Orphanet 140162, MedGen C0027672, MeSH D009386, MONDO:0015356.
Multiple endocrine neoplasia, type 1 (MEN1). Also called: MEN I; WERMER SYNDROME; Endocrine adenomatosis multiple; MEN 1; MEA I. Identifiers: Orphanet 652, MedGen C0025267, MeSH D018761, MONDO:0007540, OMIM 131100.

Submissions (3):

Labcorp Genetics (formerly Invitae), Labcorp
Classification: Pathogenic for Multiple endocrine neoplasia, type 1. Last evaluated: 2026-01-22. Review status: criteria provided, single submitter. Criteria: Invitae Variant Classification Sherloc (09022015). Collection method: clinical testing. Allele origin: germline.
Comment: This sequence change replaces glutamic acid, which is acidic and polar, with aspartic acid, which is acidic and polar, at codon 45 of the MEN1 protein (p.Glu45Asp). This variant is not present in population databases (gnomAD no frequency). This missense change has been observed in individuals with clinical features of multiple endocrine neoplasia type 1 (PMID: 9709922, 19461164; internal data). Invitae Evidence Modeling of clinical and family history, age, sex, and reported ancestry of multiple individuals with this MEN1 variant has been performed. This variant is expected to be pathogenic with a positive predictive value of at least 99%. This is a validated machine learning model that incorporates the clinical features of 1,366,787 individuals referred to our laboratory for MEN1 testing. ClinVar contains an entry for this variant (Variation ID: 403819). Invitae Evidence Modeling of protein sequence and biophysical properties (such as structural, functional, and spatial information, amino acid conservation, physicochemical variation, residue mobility, and thermodynamic stability) indicates that this missense variant is expected to disrupt MEN1 protein function with a positive predictive value of 95%. This variant disrupts the p.Glu45 amino acid residue in MEN1. Other variant(s) that disrupt this residue have been determined to be pathogenic (PMID: 10664520, 12166655, 12746426, 17623761, 29239255). This suggests that this residue is clinically significant, and that variants that disrupt this residue are likely to be disease-causing. For these reasons, this variant has been classified as Pathogenic.

Ambry Genetics
Classification: Pathogenic for Hereditary cancer-predisposing syndrome. Last evaluated: 2025-08-18. Review status: criteria provided, single submitter. Criteria: Ambry Variant Classification Scheme 2023. Collection method: clinical testing. Allele origin: germline.
Comment: The p.E45D pathogenic mutation (also known as c.135G>C), located in coding exon 1 of the MEN1 gene, results from a G to C substitution at nucleotide position 135. The glutamic acid at codon 45 is replaced by aspartic acid, an amino acid with highly similar properties. This variant was reported in individuals with features consistent with multiple endocrine neoplasia type 1 (external communication; Ambry internal data). This alteration has been previously identified in individuals with sporadic primary hyperparathyroidism (Farnebo F et al. J. Clin. Endocrinol. Metab. 1998 Aug;83:2627-30; Kihara M et al. Endocr. J. 2009 May;56:649-56). Based on internal structural analysis, this variant is anticipated to result in a significant decrease in structural stability (Ambry internal data). Other variant(s) at the same codon, p.E45Q c.133G>C, have been identified in individual(s) with features consistent with multiple endocrine neoplasia type 1 (Ambry internal data). This variant is considered to be rare based on population cohorts in the Genome Aggregation Database (gnomAD). This amino acid position is highly conserved in available vertebrate species. In addition, this alteration is predicted to be deleterious by in silico analysis. Based on the supporting evidence, this variant is interpreted as a disease-causing mutation.

Baylor Genetics
Classification: Likely pathogenic for Multiple Endocrine Neoplasia Type 1. Last evaluated: 2023-06-22. Review status: criteria provided, single submitter. Criteria: ACMG Guidelines, 2015. Collection method: clinical testing. Allele origin: unknown.

Literature cited by the submitters: PubMed 9709922 (cited by Labcorp Genetics (formerly Invitae), Labcorp and Ambry Genetics); PubMed 19461164 (cited by Labcorp Genetics (formerly Invitae), Labcorp and Ambry Genetics); PubMed 10664520 (cited by Labcorp Genetics (formerly Invitae), Labcorp); PubMed 12166655 (cited by Labcorp Genetics (formerly Invitae), Labcorp); PubMed 12746426 (cited by Labcorp Genetics (formerly Invitae), Labcorp); PubMed 17623761 (cited by Labcorp Genetics (formerly Invitae), Labcorp); PubMed 29239255 (cited by Labcorp Genetics (formerly Invitae), Labcorp).

NM_001370259.2(MEN1):c.135G>C (p.Glu45Asp)

Gene: MEN1 (menin 1; minus strand). Cytogenetic location: 11q13.1.
Variant type: single nucleotide variant.
Coding change: c.135G>C on transcript NM_001370259.2 (MANE Select); coding-DNA position 135, G replaced by C.
Protein change: p.Glu45Asp; replaces glutamic acid 45 with aspartic acid.
Molecular consequence: missense variant.
Genome position (GRCh38, 1-based): chr11:64,809,975, C>G on the plus strand (G>C on the coding strand, the complement: MEN1 is on the minus strand). VCF-style: chr11-64809975-C-G. GRCh37 (hg19) VCF-style: chr11-64577447-C-G.
Other names: c.135G>C, p.Glu45Asp (NM_000244.4, NM_001370251.2, NM_001370260.2 and 9 more transcripts); short protein forms E45D.
Identifiers: ClinVar variation 403819 (VCV000403819.15), dbSNP rs778670301, ClinGen allele CA16613432.